The following is an entry in ClinVar:

ClinVar aggregate classification (germline): Likely benign. Review status: criteria provided, multiple submitters, no conflicts (2 of 4 stars). 2 submissions from 2 submitters: Likely benign (2). Last evaluated 2024-10-23.

Allele frequency attached by ClinVar (database versions not stated): TOPMed 0.00003; ExAC 0.00004; gnomAD exomes below 0.00001 and 0.00003.
gnomAD v4.1: 6 of 1,604,492 alleles (0.00037%); highest among the groups gnomAD compares: East Asian, 0.011%; no homozygotes.

Submissions (2):

Labcorp Genetics (formerly Invitae), Labcorp
Classification: Likely benign. Last evaluated: 2024-10-23. Review status: criteria provided, single submitter. Criteria: Invitae Variant Classification Sherloc (09022015). Collection method: clinical testing. Allele origin: germline.

CeGaT Center for Human Genetics Tuebingen
Classification: Likely benign. Last evaluated: 2022-11-01. Review status: criteria provided, single submitter. Criteria: CeGaT Center For Human Genetics Tuebingen Variant Classification Criteria Version 2. Collection method: clinical testing. Allele origin: germline. Affected: yes. Observed: 1 variant allele.
Comment: NOTCH3: BP4, BP7

NM_000435.3(NOTCH3):c.5202A>G (p.Val1734=)

Gene: NOTCH3 (notch receptor 3; minus strand). Cytogenetic location: 19p13.12.
Variant type: single nucleotide variant.
Coding change: c.5202A>G on transcript NM_000435.3 (MANE Select); coding-DNA position 5202, A replaced by G.
Protein change: p.Val1734=; no amino-acid change (valine 1734 retained).
Molecular consequence: synonymous variant.
Genome position (GRCh38, 1-based): chr19:15,167,409, T>C on the plus strand (A>G on the coding strand, the complement: NOTCH3 is on the minus strand). VCF-style: chr19-15167409-T-C. GRCh37 (hg19) VCF-style: chr19-15278220-T-C.
Identifiers: ClinVar variation 729542 (VCV000729542.29), dbSNP rs750943761, ClinGen allele CA9262689.